The following is an entry in ClinVar:

ClinVar aggregate classification (germline): Pathogenic (1 of 4 stars; one submission).

Submission:

Labcorp Genetics (formerly Invitae), Labcorp
Classification: Pathogenic. Last evaluated: 2021-12-08. Review status: criteria provided, single submitter. Criteria: Invitae Variant Classification Sherloc (09022015). Collection method: clinical testing. Allele origin: germline.
Comment: This sequence change creates a premature translational stop signal (p.Gln96Profs*54) in the WNT1 gene. It is expected to result in an absent or disrupted protein product. Loss-of-function variants in WNT1 are known to be pathogenic (PMID: 23434763, 23499309). This variant is not present in population databases (gnomAD no frequency). This premature translational stop signal has been observed in individual(s) with osteogenesis imperfecta (PMID: 23499310, 27509835). For these reasons, this variant has been classified as Pathogenic.

Literature cited by the submitters: PubMed 23434763; PubMed 23499309; PubMed 23499310; PubMed 27509835.

NM_005430.4(WNT1):c.287_300del (p.Gln96fs)

Gene: WNT1 (Wnt family member 1; plus strand). Cytogenetic location: 12q13.12.
Variant type: Deletion.
Coding change: c.287_300del on transcript NM_005430.4 (MANE Select); coding-DNA positions 287 to 300, 14 bases deleted (AGTTCCGGAATCGC).
Protein change: p.Gln96fs; shifts the reading frame from glutamine 96.
Molecular consequence: frameshift variant.
Genome position (GRCh38, 1-based): chr12:48,979,650-48,979,663, AGTTCCGGAATCGC deleted; deleting any 14 consecutive bases within chr12:48,979,648-48,979,663 gives the same sequence; the c. name uses the placement nearest the transcript's 3' end. VCF-style (leftmost placement, unchanged base first): chr12-48979647-GGCAGTTCCGGAATC-G. GRCh37 (hg19) VCF-style: chr12-49373430-GGCAGTTCCGGAATC-G.
Other names: short protein forms Q96fs.
Identifiers: ClinVar variation 1459965 (VCV001459965.6), dbSNP rs1267271862, ClinGen allele CA689542871.